The following is an entry in ClinVar:

ClinVar aggregate classification (germline): Uncertain significance. Review status: criteria provided, multiple submitters, no conflicts (2 of 4 stars). 2 submissions from 2 submitters: Uncertain significance (2). Last evaluated 2026-07-03.

Conditions:
Gastrointestinal stromal tumor. Also called: Gastrointestinal stromal tumor, somatic; Gastrointestinal stroma tumor. Identifiers: Orphanet 44890, MedGen C0238198, MeSH D046152, MONDO:0011719, OMIM 606764, HP:0100723.
Hereditary cancer-predisposing syndrome. Also called: Neoplastic Syndromes, Hereditary; Hereditary Cancer Syndrome; Tumor predisposition; Hereditary neoplastic syndrome. Identifiers: Orphanet 140162, MedGen C0027672, MeSH D009386, MONDO:0015356.

Allele frequency attached by ClinVar (database versions not stated): gnomAD exomes below 0.00001.
gnomAD v4.1: 1 of 1,612,558 alleles (0.000062%); highest among the groups gnomAD compares: Admixed American, 0.0017%; no homozygotes.

Submissions (2):

Ambry Genetics
Classification: Uncertain significance for Hereditary cancer-predisposing syndrome. Last evaluated: 2026-07-03. Review status: criteria provided, single submitter. Criteria: Ambry Variant Classification Scheme 2023. Collection method: clinical testing. Allele origin: germline.
Comment: The p.E387G variant (also known as c.1160A>G), located in coding exon 7 of the PDGFRA gene, results from an A to G substitution at nucleotide position 1160. The glutamic acid at codon 387 is replaced by glycine, an amino acid with similar properties. This amino acid position is conserved. In addition, the in silico prediction for this alteration is inconclusive. Based on the available evidence, the clinical significance of this variant remains unclear.

Labcorp Genetics (formerly Invitae), Labcorp
Classification: Uncertain significance for Gastrointestinal stromal tumor. Last evaluated: 2025-09-27. Review status: criteria provided, single submitter. Criteria: Invitae Variant Classification Sherloc (09022015). Collection method: clinical testing. Allele origin: germline.
Comment: This sequence change replaces glutamic acid, which is acidic and polar, with glycine, which is neutral and non-polar, at codon 387 of the PDGFRA protein (p.Glu387Gly). This variant is present in population databases (no rsID available, gnomAD 0.003%). This variant has not been reported in the literature in individuals affected with PDGFRA-related conditions. ClinVar contains an entry for this variant (Variation ID: 954155). Invitae Evidence Modeling of protein sequence and biophysical properties (such as structural, functional, and spatial information, amino acid conservation, physicochemical variation, residue mobility, and thermodynamic stability) indicates that this missense variant is not expected to disrupt PDGFRA protein function with a negative predictive value of 80%. In summary, the available evidence is currently insufficient to determine the role of this variant in disease. Therefore, it has been classified as a Variant of Uncertain Significance.

NM_006206.6(PDGFRA):c.1160A>G (p.Glu387Gly)

Gene: PDGFRA (platelet derived growth factor receptor alpha; plus strand). Cytogenetic location: 4q12.
Variant type: single nucleotide variant.
Coding change: c.1160A>G on transcript NM_006206.6 (MANE Select); coding-DNA position 1160, A replaced by G.
Protein change: p.Glu387Gly; replaces glutamic acid 387 with glycine.
Molecular consequence: missense variant.
Genome position (GRCh38, 1-based): chr4:54,270,671, A>G. VCF-style: chr4-54270671-A-G. GRCh37 (hg19) VCF-style: chr4-55136838-A-G.
Other names: c.1160A>G, p.Glu387Gly (NM_001347827.2, NM_001347829.2); c.1235A>G, p.Glu412Gly (NM_001347828.2); c.1199A>G, p.Glu400Gly (NM_001347830.2); short protein forms E412G, E387G, E400G.
Identifiers: ClinVar variation 954155 (VCV000954155.11), dbSNP rs930852806, ClinGen allele CA96854504.
Genomic context (GRCh38, chr4:54,270,671, plus strand): 5'-AACAAAATCCTTTTTTTAAAAGGTATCGAAGCAAATTAAAGCTGATCCGTGCTAAGGAAG[A>G]AGACAGTGGCCATTATACTATTGTAGCTCAAAATGAAGATGCTGTGAAGAGCTATACTTT-3'
Protein context (NP_006197.1, residues 377-397): SKLKLIRAKE[Glu387Gly]DSGHYTIVAQ